The following is an entry in ClinVar:

ClinVar aggregate classification (germline): Likely benign (1 of 4 stars; one submission).

Allele frequency attached by ClinVar (database versions not stated): gnomAD 0.00221; TOPMed 0.00227; gnomAD exomes 0.00247.
gnomAD v4.1: 518 of 229,518 alleles (0.23%); highest among the groups gnomAD compares: Non-Finnish European, 0.39%; no homozygotes.

Submission:

CeGaT Center for Human Genetics Tuebingen
Classification: Likely benign. Last evaluated: 2023-04-01. Review status: criteria provided, single submitter. Criteria: CeGaT Center For Human Genetics Tuebingen Variant Classification Criteria Version 2. Collection method: clinical testing. Allele origin: germline. Affected: yes. Observed: 1 variant allele.
Comment: CCND2: BS1

NM_001759.4(CCND2):c.*1872G>A

Gene: CCND2 (cyclin D2; plus strand). Cytogenetic location: 12p13.32.
Variant type: single nucleotide variant.
Coding change: c.*1872G>A on transcript NM_001759.4 (MANE Select); 1872 bases downstream of the stop codon, G replaced by A.
Molecular consequence: 3 prime UTR variant.
Genome position (GRCh38, 1-based): chr12:4,301,881, G>A. VCF-style: chr12-4301881-G-A. GRCh37 (hg19) VCF-style: chr12-4411047-G-A.
Identifiers: ClinVar variation 2642587 (VCV002642587.24), dbSNP rs567544553, ClinGen allele CA231748638.